The following is an entry in ClinVar:

ClinVar aggregate classification (germline): Benign/Likely benign. Review status: criteria provided, multiple submitters, no conflicts (2 of 4 stars). 3 submissions from 3 submitters: Benign (1); Likely benign (2). Last evaluated 2025-11-10.

Conditions:
Tuberous sclerosis 2 (TSC2). Identifiers: Orphanet 805, MedGen C1860707, MONDO:0013199, OMIM 613254.
Hereditary cancer-predisposing syndrome. Also called: Tumor predisposition; Hereditary neoplastic syndrome; Neoplastic Syndromes, Hereditary; Hereditary Cancer Syndrome. Identifiers: Orphanet 140162, MedGen C0027672, MeSH D009386, MONDO:0015356.

Submissions (3):

Labcorp Genetics (formerly Invitae), Labcorp
Classification: Likely benign for Tuberous sclerosis 2. Last evaluated: 2025-11-10. Review status: criteria provided, single submitter. Criteria: Invitae Variant Classification Sherloc (09022015). Collection method: clinical testing. Allele origin: germline.

Myriad Genetics, Inc.
Classification: Benign for Tuberous sclerosis 2. Last evaluated: 2025-05-29. Review status: criteria provided, single submitter. Criteria: Myriad Autosomal Dominant, Autosomal Recessive and X-Linked Classification Criteria (2023). Collection method: clinical testing. Allele origin: unknown.
Comment: This variant is considered benign. This variant is a silent/synonymous amino acid change and it is not expected to impact splicing.

Ambry Genetics
Classification: Likely benign for Hereditary cancer-predisposing syndrome. Last evaluated: 2020-01-20. Review status: criteria provided, single submitter. Criteria: Ambry Variant Classification Scheme 2023. Collection method: clinical testing. Allele origin: germline.

NM_000548.5(TSC2):c.3453C>T (p.Gly1151=)

Gene: TSC2 (TSC complex subunit 2; plus strand). Cytogenetic location: 16p13.3.
Variant type: single nucleotide variant.
Coding change: c.3453C>T on transcript NM_000548.5 (MANE Select); coding-DNA position 3453, C replaced by T.
Protein change: p.Gly1151=; no amino-acid change (glycine 1151 retained).
Molecular consequence: synonymous variant.
Genome position (GRCh38, 1-based): chr16:2,080,220, C>T. VCF-style: chr16-2080220-C-T. GRCh37 (hg19) VCF-style: chr16-2130221-C-T.
Other names: c.3321C>T, p.Gly1107= (NM_001077183.3, NM_001370404.1); c.3453C>T, p.Gly1151= (NM_001114382.3); c.3213C>T, p.Gly1071= (NM_001318827.2); c.3177C>T, p.Gly1059= (NM_001318829.2); c.2721C>T, p.Gly907= (NM_001318831.2); c.3354C>T, p.Gly1118= (NM_001318832.2); c.3324C>T, p.Gly1108= (NM_001363528.2, NM_001370405.1, NM_021055.3).
Identifiers: ClinVar variation 708995 (VCV000708995.11), dbSNP rs1596389809, ClinGen allele CA493042850.
Genomic context (GRCh38, chr16:2,080,220, plus strand): 5'-TTCAGGGGGCCATGGTCTTCGAGTTGGCGCCCTGGACGTGCCGGCCTCCCAGTTCCTGGG[C>T]AGTGCCACTTCTCCAGGACCACGGACTGCACCAGCCGCGAAACCTGAGAAGGCCTCAGCT-3'
Protein context (NP_000539.2, residues 1141-1161): ALDVPASQFL[Gly1151=]SATSPGPRTA